The following is an entry in ClinVar:

ClinVar aggregate classification (germline): Uncertain significance. Review status: criteria provided, multiple submitters, no conflicts (2 of 4 stars). 5 submissions from 5 submitters: Uncertain significance (4). 1 of the submissions does not count toward it. Last evaluated 2026-08-31.

Conditions:
EYS-related disorder. Also called: EYS-related condition.
Retinitis pigmentosa (RP). Identifiers: Orphanet 791, MedGen C0035334, MeSH D012174, MONDO:0019200, OMIM 268000. Inheritance: Autosomal dominant, autosomal recessive and X linked inheritance.
Retinal dystrophy. Also called: Inherited retinal dystrophy. Identifiers: Orphanet 71862, MedGen C0854723, MeSH D058499, MONDO:0019118, HP:0000556.

Allele frequency attached by ClinVar (database versions not stated): TOPMed 0.00009; gnomAD 0.00011 and 0.00012; 1000 Genomes Project 30x 0.00016; gnomAD exomes 0.00017; 1000 Genomes Project 0.00020; ExAC 0.00026.
gnomAD v4.1: 174 of 1,433,230 alleles (0.012%); highest among the groups gnomAD compares: South Asian, 0.032%; 1 homozygote.

Submissions (5):

PreventionGenetics, part of Exact Sciences
Classification: Uncertain significance for EYS-related condition. Last evaluated: 2026-08-31. Review status: criteria provided, single submitter. Criteria: ACMG Guidelines, 2015. Collection method: clinical testing. Allele origin: germline.
Comment: The EYS c.6188G>T variant is predicted to result in the amino acid substitution p.Cys2063Phe. This variant was previously reported in one individual with retinal disease (Littink et al. 2010. PubMed ID: 20537394). This variant is reported in 0.041% of alleles in individuals of South Asian descent in gnomAD. At this time, the clinical significance of this variant is uncertain due to the absence of conclusive functional and genetic evidence.

Blueprint Genetics
Classification: Uncertain significance. Last evaluated: 2024-11-04. Review status: criteria provided, single submitter. Criteria: ACMG Guidelines, 2015. Collection method: clinical testing. Allele origin: germline.

Labcorp Genetics (formerly Invitae), Labcorp
Classification: Uncertain significance. Last evaluated: 2022-09-01. Review status: criteria provided, single submitter. Criteria: Invitae Variant Classification Sherloc (09022015). Collection method: clinical testing. Allele origin: germline.
Comment: This sequence change replaces cysteine, which is neutral and slightly polar, with phenylalanine, which is neutral and non-polar, at codon 2063 of the EYS protein (p.Cys2063Phe). This variant is present in population databases (rs138123230, gnomAD 0.04%). This missense change has been observed in individual(s) with clinical features of EYS-related conditions (PMID: 20537394). ClinVar contains an entry for this variant (Variation ID: 911843). Algorithms developed to predict the effect of missense changes on protein structure and function are either unavailable or do not agree on the potential impact of this missense change (SIFT: "Deleterious"; PolyPhen-2: "Probably Damaging"; Align-GVGD: "Class C0"). In summary, the available evidence is currently insufficient to determine the role of this variant in disease. Therefore, it has been classified as a Variant of Uncertain Significance.

Illumina Laboratory Services, Illumina
Classification: Uncertain significance for Retinitis pigmentosa. Last evaluated: 2018-01-12. Review status: criteria provided, single submitter. Criteria: ICSL Variant Classification Criteria 13 December 2019. Collection method: clinical testing. Allele origin: germline.

Institute of Human Genetics, Univ. Regensburg, Univ. Regensburg
Classification: Uncertain significance for Retinal dystrophy. Last evaluated: 2022-01-01. Review status: no assertion criteria provided. Criteria: ACMG Guidelines, 2015. Collection method: clinical testing. Allele origin: germline. Affected: yes. Not counted in ClinVar's aggregate classification.

Literature cited by the submitters: PubMed 20537394 (cited by Labcorp Genetics (formerly Invitae), Labcorp).

NM_001142800.2(EYS):c.6188G>T (p.Cys2063Phe)

Gene: EYS (EGF-like photoreceptor maintenance factor; minus strand). Cytogenetic location: 6q12.
Variant type: single nucleotide variant.
Coding change: c.6188G>T on transcript NM_001142800.2 (MANE Select); coding-DNA position 6188, G replaced by T.
Protein change: p.Cys2063Phe; replaces cysteine 2063 with phenylalanine.
Molecular consequence: missense variant.
Genome position (GRCh38, 1-based): chr6:64,306,973, C>A on the plus strand (G>T on the coding strand, the complement: EYS is on the minus strand). VCF-style: chr6-64306973-C-A. GRCh37 (hg19) VCF-style: chr6-65016866-C-A.
Other names: c.6188G>T, p.Cys2063Phe (NM_001292009.2); short protein forms C2063F.
Identifiers: ClinVar variation 911843 (VCV000911843.8), dbSNP rs138123230, ClinGen allele CA3876938.
Genomic context (GRCh38, chr6:64,306,973, plus strand): 5'-ATCTTTTGGTGTGGTTATTTGAACAAGTTATTAGAAAAATCACTACTGCTATTTTACCTG[C>A]AATTGTTAATGTGATAGTTTTTCACTGCCTTGGATGGAATGAAAGATCTCCAGTTATTTA-3'
Protein context (NP_001136272.1, residues 2053-2073): KAVKNYHINN[Cys2063Phe]RSQGFMLSPT